The following is an entry in ClinVar:

ClinVar aggregate classification (germline): Uncertain significance. Review status: criteria provided, multiple submitters, no conflicts (2 of 4 stars). 4 submissions from 4 submitters: Uncertain significance (4). Last evaluated 2025-12-02.

Conditions:
Ulnar-mammary syndrome (UMS). Also called: PALLISTER ULNAR-MAMMARY SYNDROME; SCHINZEL SYNDROME; Ulnar-mammary syndrome of Pallister. Identifiers: Orphanet 3138, MedGen C1866994, MONDO:0008411, OMIM 181450.
Inborn genetic diseases. Identifiers: MedGen C0950123, MeSH D030342.
TBX3-related disorder. Also called: TBX3-related condition.

Allele frequency attached by ClinVar (database versions not stated): TOPMed 0.00002; ESP Exome Variant Server 0.00008.

Submissions (4):

PreventionGenetics, part of Exact Sciences
Classification: Uncertain significance for TBX3-related condition. Last evaluated: 2025-12-02. Review status: criteria provided, single submitter. Criteria: ACMG Guidelines, 2015. Collection method: clinical testing. Allele origin: germline.
Comment: The TBX3 c.964A>G variant is predicted to result in the amino acid substitution p.Met322Val. To our knowledge, this variant has not been reported in the literature. This variant is reported in 0.022% of alleles in individuals of East Asian descent in gnomAD. At this time, the clinical significance of this variant is uncertain due to the absence of conclusive functional and genetic evidence.

Labcorp Genetics (formerly Invitae), Labcorp
Classification: Uncertain significance for Ulnar-mammary syndrome. Last evaluated: 2025-10-21. Review status: criteria provided, single submitter. Criteria: Invitae Variant Classification Sherloc (09022015). Collection method: clinical testing. Allele origin: germline.
Comment: This sequence change replaces methionine, which is neutral and non-polar, with valine, which is neutral and non-polar, at codon 302 of the TBX3 protein (p.Met302Val). This variant is present in population databases (rs374926979, gnomAD 0.01%). This variant has not been reported in the literature in individuals affected with TBX3-related conditions. ClinVar contains an entry for this variant (Variation ID: 2672523). An algorithm developed to predict the effect of missense changes on protein structure and function (PolyPhen-2) suggests that this variant is likely to be tolerated. In summary, the available evidence is currently insufficient to determine the role of this variant in disease. Therefore, it has been classified as a Variant of Uncertain Significance.

Ambry Genetics
Classification: Uncertain significance for Inborn genetic diseases. Last evaluated: 2025-05-19. Review status: criteria provided, single submitter. Criteria: Ambry Variant Classification Scheme 2023. Collection method: clinical testing. Allele origin: germline.

CeGaT Center for Human Genetics Tuebingen
Classification: Uncertain significance. Last evaluated: 2023-11-01. Review status: criteria provided, single submitter. Criteria: CeGaT Center For Human Genetics Tuebingen Variant Classification Criteria Version 2. Collection method: clinical testing. Allele origin: germline. Affected: yes. Observed: 1 variant allele.

NM_005996.4(TBX3):c.904A>G (p.Met302Val)

Gene: TBX3 (T-box transcription factor 3; minus strand). Cytogenetic location: 12q24.21.
Variant type: single nucleotide variant.
Coding change: c.904A>G on transcript NM_005996.4 (MANE Select); coding-DNA position 904, A replaced by G.
Protein change: p.Met302Val; replaces methionine 302 with valine.
Molecular consequence: missense variant.
Genome position (GRCh38, 1-based): chr12:114,676,448, T>C on the plus strand (A>G on the coding strand, the complement: TBX3 is on the minus strand). VCF-style: chr12-114676448-T-C. GRCh37 (hg19) VCF-style: chr12-115114253-T-C.
Other names: c.964A>G, p.Met322Val (NM_016569.4); c.904A>G (NM_005996.3); c.964A>G (NM_016569.3); short protein forms M302V, M322V.
Identifiers: ClinVar variation 2672523 (VCV002672523.27), dbSNP rs374926979, ClinGen allele CA6810047.
Genomic context (GRCh38, chr12:114,676,448, plus strand): 5'-CACTGGAGGACTCATCAGAGGTCCCATTCTCCTTTTTGTGTCTTTCATCAAACACCCTCA[T>C]GGACTGCAGGGTGAGCTGTTTTCTGTGGCAGAAGCCCACACCCAGGTTACAGAATGTAAC-3'
Protein context (NP_005987.3, residues 292-312): EKRKQLTLQS[Met302Val]RVFDERHKKE